The following is an entry in ClinVar:

NM_018418.5(SPATA7):c.1391G>A (p.Arg464His)

Gene: SPATA7 (spermatogenesis associated 7; plus strand). Cytogenetic location: 14q31.3.
Variant type: single nucleotide variant.
Coding change: c.1391G>A on transcript NM_018418.5 (MANE Select); coding-DNA position 1391, G replaced by A.
Protein change: p.Arg464His; replaces arginine 464 with histidine.
Molecular consequence: missense variant.
Genome position (GRCh38, 1-based): chr14:88,438,013, G>A. VCF-style: chr14-88438013-G-A. GRCh37 (hg19) VCF-style: chr14-88904357-G-A.
Other names: c.1295G>A, p.Arg432His (NM_001040428.4); short protein forms R432H, R464H.
Identifiers: ClinVar variation 1365124 (VCV001365124.5), dbSNP rs748143898, ClinGen allele CA7298801.
Genomic context (GRCh38, chr14:88,438,013, plus strand): 5'-CTGGGAATTCAGAACCAAATGAATTAAAAAATGAAAGTGAAGTAACAATTCAGCAGGAAC[G>A]TCAACAATACCAAAAGGCTTTGGATATGTTATTGTCGGCACCAAAGGATGAGAACGAGAT-3'
Protein context (NP_060888.2, residues 454-474): NESEVTIQQE[Arg464His]QQYQKALDML

ClinVar aggregate classification (germline): Uncertain significance (1 of 4 stars; one submission).

Conditions:
Leber congenital amaurosis 3 (LCA3). Also called: SPATA7-Related Retinitis Pigmentosa. Identifiers: MedGen C1858677, MONDO:0011415, OMIM 604232.

Allele frequency attached by ClinVar (database versions not stated): ExAC 0.00002; gnomAD 0.00002; gnomAD exomes 0.00002; TOPMed 0.00002.
gnomAD v4.1: 50 of 1,613,900 alleles (0.0031%); highest among the groups gnomAD compares: African/African-American, 0.0053%; no homozygotes.

Submission:

Labcorp Genetics (formerly Invitae), Labcorp
Classification: Uncertain significance for Leber congenital amaurosis 3. Last evaluated: 2022-03-29. Review status: criteria provided, single submitter. Criteria: Invitae Variant Classification Sherloc (09022015). Collection method: clinical testing. Allele origin: germline.
Comment: This sequence change replaces arginine, which is basic and polar, with histidine, which is basic and polar, at codon 464 of the SPATA7 protein (p.Arg464His). This variant is present in population databases (rs748143898, gnomAD 0.007%). This variant has not been reported in the literature in individuals affected with SPATA7-related conditions. Algorithms developed to predict the effect of missense changes on protein structure and function output the following: SIFT: "Deleterious"; PolyPhen-2: "Benign"; Align-GVGD: "Class C25". The histidine amino acid residue is found in multiple mammalian species, which suggests that this missense change does not adversely affect protein function. In summary, the available evidence is currently insufficient to determine the role of this variant in disease. Therefore, it has been classified as a Variant of Uncertain Significance.